The following is an entry in ClinVar:

ClinVar aggregate classification (germline): Benign (1 of 4 stars; one submission).

Conditions:
Leigh syndrome (NULS). Also called: Leigh's necrotizing encephalopathy; Leigh's disease; Leigh Syndrome (mtDNA deletion); Leigh Disease; Subacute necrotizing encephalopathy; Necrotizing encephalopathy infantile subacute of Leigh. Identifiers: Orphanet 506, MedGen C2931891, MONDO:0009723, OMIM 256000.

Submission:

Wong Mito Lab, Molecular and Human Genetics, Baylor College of Medicine
Classification: Benign for Leigh syndrome. Last evaluated: 2019-10-17. Review status: criteria provided, single submitter. Criteria: Modified ACMG Guidelines (Unpublished). Collection method: clinical testing. Allele origin: germline.
Comment: The NC_012920.1:m.7775G>A (YP_003024029.1:p.Val64Ile) variant in MTCO2 gene is interpretated to be a Benign variant based on the modified ACMG guidelines (unpublished). This variant meets the following evidence codes: BS1, BS2, BP4

NC_012920.1(MT-CO2):m.7775G>A

Gene: MT-CO2 (mitochondrially encoded cytochrome c oxidase II; plus strand).
Variant type: single nucleotide variant.
Genome position: chrM-7775-G-A.
Identifiers: ClinVar variation 692774 (VCV000692774.1), dbSNP rs1556423347, ClinGen allele CA414793674.